The following is an entry in ClinVar:

ClinVar aggregate classification (germline): Benign/Likely benign. Review status: criteria provided, multiple submitters, no conflicts (2 of 4 stars). 2 submissions from 2 submitters: Benign (1); Likely benign (1). Last evaluated 2026-05-01.

Allele frequency attached by ClinVar (database versions not stated): gnomAD exomes 0.00004; gnomAD 0.00005; TOPMed 0.00012; ExAC 0.00015.
gnomAD v4.1: 57 of 1,595,304 alleles (0.0036%); highest among the groups gnomAD compares: Admixed American, 0.1%; no homozygotes.

Submissions (2):

CeGaT Center for Human Genetics Tuebingen
Classification: Likely benign. Last evaluated: 2026-05-01. Review status: criteria provided, single submitter. Criteria: CeGaT Center For Human Genetics Tuebingen Variant Classification Criteria Version 2. Collection method: clinical testing. Allele origin: germline. Affected: yes. Observed: 1 variant allele.
Comment: EIF2AK2: BP4, BP7

Labcorp Genetics (formerly Invitae), Labcorp
Classification: Benign. Last evaluated: 2025-12-22. Review status: criteria provided, single submitter. Criteria: Invitae Variant Classification Sherloc (09022015). Collection method: clinical testing. Allele origin: germline.

NM_001135651.3(EIF2AK2):c.1278A>G (p.Lys426=)

Gene: EIF2AK2 (eukaryotic translation initiation factor 2 alpha kinase 2; minus strand). Cytogenetic location: 2p22.2.
Variant type: single nucleotide variant.
Coding change: c.1278A>G on transcript NM_001135651.3 (MANE Select); coding-DNA position 1278, A replaced by G.
Protein change: p.Lys426=; no amino-acid change (lysine 426 retained).
Molecular consequence: synonymous variant.
Genome position (GRCh38, 1-based): chr2:37,114,830, T>C on the plus strand (A>G on the coding strand, the complement: EIF2AK2 is on the minus strand). VCF-style: chr2-37114830-T-C. GRCh37 (hg19) VCF-style: chr2-37341973-T-C.
Other names: c.1155A>G, p.Lys385= (NM_001135652.3); c.1278A>G, p.Lys426= (NM_002759.4).
Identifiers: ClinVar variation 2082805 (VCV002082805.5), dbSNP rs768191204, ClinGen allele CA1615049.